The following is an entry in ClinVar:

ClinVar aggregate classification (germline): Uncertain significance. Review status: criteria provided, multiple submitters, no conflicts (2 of 4 stars). 2 submissions from 2 submitters: Uncertain significance (2). Last evaluated 2024-11-02.

Conditions:
Hereditary cancer-predisposing syndrome. Also called: Hereditary Cancer Syndrome; Tumor predisposition; Hereditary neoplastic syndrome; Neoplastic Syndromes, Hereditary. Identifiers: Orphanet 140162, MedGen C0027672, MeSH D009386, MONDO:0015356.

Allele frequency attached by ClinVar (database versions not stated): gnomAD exomes below 0.00001.
gnomAD v4.1: 1 of 1,606,582 alleles (0.000062%); highest among the groups gnomAD compares: Non-Finnish European, 0.000085%; no homozygotes.

Submissions (2):

Ambry Genetics
Classification: Uncertain significance for Hereditary cancer-predisposing syndrome. Last evaluated: 2024-11-02. Review status: criteria provided, single submitter. Criteria: Ambry Variant Classification Scheme 2023. Collection method: clinical testing. Allele origin: germline.
Comment: The p.K699E variant (also known as c.2095A>G), located in coding exon 15 of the MSH3 gene, results from an A to G substitution at nucleotide position 2095. The lysine at codon 699 is replaced by glutamic acid, an amino acid with similar properties. This amino acid position is conserved. In addition, the in silico prediction for this alteration is inconclusive. Based on the available evidence, the clinical significance of this variant remains unclear.

Labcorp Genetics (formerly Invitae), Labcorp
Classification: Uncertain significance. Last evaluated: 2020-08-10. Review status: criteria provided, single submitter. Criteria: Invitae Variant Classification Sherloc (09022015). Collection method: clinical testing. Allele origin: germline.
Comment: In summary, the available evidence is currently insufficient to determine the role of this variant in disease. Therefore, it has been classified as a Variant of Uncertain Significance. Algorithms developed to predict the effect of missense changes on protein structure and function are either unavailable or do not agree on the potential impact of this missense change (SIFT: "Tolerated"; PolyPhen-2: "Probably Damaging"; Align-GVGD: "Class C0"). This variant has not been reported in the literature in individuals with MSH3-related conditions. This variant is not present in population databases (ExAC no frequency). This sequence change replaces lysine with glutamic acid at codon 699 of the MSH3 protein (p.Lys699Glu). The lysine residue is moderately conserved and there is a small physicochemical difference between lysine and glutamic acid.

NM_002439.5(MSH3):c.2095A>G (p.Lys699Glu)

Gene: MSH3 (mutS homolog 3; plus strand). Cytogenetic location: 5q14.1.
Variant type: single nucleotide variant.
Coding change: c.2095A>G on transcript NM_002439.5 (MANE Select); coding-DNA position 2095, A replaced by G.
Protein change: p.Lys699Glu; replaces lysine 699 with glutamic acid.
Molecular consequence: missense variant.
Genome position (GRCh38, 1-based): chr5:80,768,845, A>G. VCF-style: chr5-80768845-A-G. GRCh37 (hg19) VCF-style: chr5-80064664-A-G.
Other names: c.2095A>G (NM_002439.3); short protein forms K699E.
Identifiers: ClinVar variation 1053746 (VCV001053746.10), dbSNP rs2112885099, ClinGen allele CA360279193.